The following is an entry in ClinVar:

ClinVar aggregate classification (germline): Likely benign. Review status: reviewed by expert panel (3 of 4 stars). 5 submissions from 5 submitters: Likely benign (1). 4 of the submissions do not count toward it. Last evaluated 2025-10-28.

Conditions:
Hereditary cancer-predisposing syndrome. Also called: Hereditary neoplastic syndrome; Tumor predisposition; Hereditary Cancer Syndrome; Neoplastic Syndromes, Hereditary. Identifiers: Orphanet 140162, MedGen C0027672, MeSH D009386, MONDO:0015356.
DICER1-related tumor predisposition. Also called: DICER1 syndrome; DICER1-related pleuropulmonary blastoma cancer predisposition syndrome. Identifiers: Orphanet 284343, MedGen C3839822, MONDO:0100216.

Allele frequency attached by ClinVar (database versions not stated): gnomAD exomes 0.00002 and 0.00005; gnomAD 0.00003 and 0.00002; ExAC 0.00003; TOPMed 0.00004; ESP Exome Variant Server 0.00008.
gnomAD v4.1: 74 of 1,614,104 alleles (0.0046%); highest among the groups gnomAD compares: Non-Finnish European, 0.0062%; no homozygotes.

Submissions (5):

ClinGen DICER1 and miRNA-Processing Gene Variant Curation Expert Panel, ClinGen
Classification: Likely benign for DICER1-related tumor predisposition. Last evaluated: 2025-10-28. Review status: reviewed by expert panel. Criteria: ClinGen DICER1 ACMG Specifications DICER1 V1.4.0. Collection method: curation. Allele origin: germline. Inheritance: Autosomal dominant inheritance.
Comment: The NM_177438.2:c.4740G>T variant in DICER1 is a missense variant predicted to cause substitution of glutamine by histidine at amino acid 1580 (p.Gln1580His). This variant has been seen in 40 or more unrelated females without tumors through age 50 in at least one testing laboratory (BS2; Internal lab contributors). The total allele frequency in gnomAD v4.1.0 is 0.00004585 (74/1614104 alleles) with a highest population minor allele frequency of 0.00006186 (73/1180036 alleles) in European (non-Finnish) population (PM2_Supporting, BS1, and BA1 are not met). In vitro cleavage assay in HEK293 cells showed that this variant produces both 5p and 3p microRNAs from a pre-miRNA, indicating that this variant is unlikely to impact protein function (BS3_Supporting; Wu 2018, McGill University). The computational predictor REVEL gives a score of 0.696, which is neither above nor below the thresholds predicting a damaging or benign impact on DICER1 function; splice predictors MaxEntScan and SpliceAI indicate no impact on splicing (PP3 and BP4 not met). In summary, this variant meets the criteria to be classified as Likely Benign for DICER1-related tumor predisposition based on the ACMG/AMP criteria applied, as specified by the ClinGen DICER1 VCEP: BS2, BS3_Supporting. (Bayesian Points: -5; VCEP specifications version 1.4.0; 10/28/2025).

Labcorp Genetics (formerly Invitae), Labcorp
Classification: Likely benign for DICER1-related tumor predisposition. Last evaluated: 2026-01-16. Review status: criteria provided, single submitter. Criteria: Invitae Variant Classification Sherloc (09022015). Collection method: clinical testing. Allele origin: germline. Not counted in ClinVar's aggregate classification.

Ambry Genetics
Classification: Uncertain significance for Hereditary cancer-predisposing syndrome. Last evaluated: 2025-12-09. Review status: criteria provided, single submitter. Criteria: Ambry Variant Classification Scheme 2023. Collection method: clinical testing. Allele origin: germline. Not counted in ClinVar's aggregate classification.

GeneDx
Classification: Uncertain significance. Last evaluated: 2023-07-26. Review status: criteria provided, single submitter. Criteria: GeneDx Variant Classification Process June 2021. Collection method: clinical testing. Allele origin: germline. Not counted in ClinVar's aggregate classification.
Comment: Not observed at significant frequency in large population cohorts (gnomAD); In silico analysis supports that this missense variant does not alter protein structure/function; Observed in an individual with a seminoma (PMID: 21266384); This variant is associated with the following publications: (PMID: 24136150, 24708902, 23547758, 33158809, 29762508, 28748527, Spinelli2023[Review], 21266384)

Foulkes Cancer Genetics LDI, Lady Davis Institute for Medical Research
Classification: Likely benign. Last evaluated: 2019-07-01. Review status: criteria provided, single submitter. Criteria: ACMG Guidelines, 2015. Collection method: curation. Allele origin: germline. Affected: yes. Observed: 1 variant allele. Not counted in ClinVar's aggregate classification.
Comment: ACMG criteria met: PP3, BS3, BP1

Literature cited by the submitters: PubMed 21266384 (cited by Foulkes Cancer Genetics LDI, Lady Davis Institute for Medical Research).

NM_177438.3(DICER1):c.4740G>T (p.Gln1580His)

Gene: DICER1 (dicer 1, ribonuclease III; minus strand). Cytogenetic location: 14q32.13.
Variant type: single nucleotide variant.
Coding change: c.4740G>T on transcript NM_177438.3 (MANE Select); coding-DNA position 4740, G replaced by T.
Protein change: p.Gln1580His; replaces glutamine 1580 with histidine.
Molecular consequence: missense variant.
Genome position (GRCh38, 1-based): chr14:95,096,180, C>A on the plus strand (G>T on the coding strand, the complement: DICER1 is on the minus strand). VCF-style: chr14-95096180-C-A. GRCh37 (hg19) VCF-style: chr14-95562517-C-A.
Other names: NM_177438.3(DICER1):c.4740G>T; p.Gln1580His; c.4740G>T, p.Gln1580His (NM_001195573.1, NM_001271282.3, NM_001291628.2 and 1 more transcripts); short protein forms Q1580H.
Identifiers: ClinVar variation 412159 (VCV000412159.25), dbSNP rs369465519, ClinGen allele CA7330808.